The following is an entry in ClinVar:

ClinVar aggregate classification (germline): Uncertain significance. Review status: criteria provided, multiple submitters, no conflicts (2 of 4 stars). 2 submissions from 2 submitters: Uncertain significance (2). Last evaluated 2023-12-02.

Conditions:
Familial cold autoinflammatory syndrome 3 (FCAS3). Also called: ANTIBODY DEFICIENCY AND IMMUNE DYSREGULATION, PLCG2-ASSOCIATED; FAMILIAL ATYPICAL COLD URTICARIA. Identifiers: Orphanet 300359, MedGen C3280914, MONDO:0013766, OMIM 614468.
Autoinflammation-PLCG2-associated antibody deficiency-immune dysregulation. Also called: Autoinflammation, antibody deficiency, and immune dysregulation syndrome; Autoinflammation, antibody deficiency, and immune dysregulation, plcg2-associated; AUTOINFLAMMATION, ANTIBODY DEFICIENCY, AND IMMUNE DYSREGULATION. Identifiers: Orphanet 324530, MedGen C3553961, MONDO:0013944, OMIM 614878.

Allele frequency attached by ClinVar (database versions not stated): TOPMed below 0.00001; gnomAD 0.00001.
gnomAD v4.1: 6 of 1,614,084 alleles (0.00037%); highest among the groups gnomAD compares: South Asian, 0.0011%; no homozygotes.

Submissions (2):

Labcorp Genetics (formerly Invitae), Labcorp
Classification: Uncertain significance for Familial cold autoinflammatory syndrome 3. Last evaluated: 2023-12-02. Review status: criteria provided, single submitter. Criteria: Invitae Variant Classification Sherloc (09022015). Collection method: clinical testing. Allele origin: germline.
Comment: This sequence change replaces threonine, which is neutral and polar, with methionine, which is neutral and non-polar, at codon 49 of the PLCG2 protein (p.Thr49Met). This variant is present in population databases (no rsID available, gnomAD 0.003%). This variant has not been reported in the literature in individuals affected with PLCG2-related conditions. An algorithm developed to predict the effect of missense changes on protein structure and function (PolyPhen-2) suggests that this variant is likely to be disruptive. In summary, the available evidence is currently insufficient to determine the role of this variant in disease. Therefore, it has been classified as a Variant of Uncertain Significance.

Baylor Genetics
Classification: Uncertain significance for Autoinflammation-PLCG2-associated antibody deficiency-immune dysregulation. Last evaluated: 2023-04-26. Review status: criteria provided, single submitter. Criteria: ACMG Guidelines, 2015. Collection method: clinical testing. Allele origin: unknown.

NM_002661.5(PLCG2):c.146C>T (p.Thr49Met)

Gene: PLCG2 (phospholipase C gamma 2; plus strand). Cytogenetic location: 16q23.3.
Variant type: single nucleotide variant.
Coding change: c.146C>T on transcript NM_002661.5 (MANE Select); coding-DNA position 146, C replaced by T.
Protein change: p.Thr49Met; replaces threonine 49 with methionine.
Molecular consequence: missense variant.
Genome position (GRCh38, 1-based): chr16:81,786,135, C>T. VCF-style: chr16-81786135-C-T. GRCh37 (hg19) VCF-style: chr16-81819740-C-T.
Other names: short protein forms T49M.
Identifiers: ClinVar variation 2582495 (VCV002582495.4), dbSNP rs1231997442, ClinGen allele CA396895564.